The following is an entry in ClinVar:

NM_004782.4(SNAP29):c.*2892C>T

Gene: SNAP29 (synaptosome associated protein 29; plus strand). Cytogenetic location: 22q11.21.
Variant type: single nucleotide variant.
Coding change: c.*2892C>T on transcript NM_004782.4 (MANE Select); 2892 bases downstream of the stop codon, C replaced by T.
Molecular consequence: 3 prime UTR variant.
Genome position (GRCh38, 1-based): chr22:20,890,728, C>T. VCF-style: chr22-20890728-C-T. GRCh37 (hg19) VCF-style: chr22-21245016-C-T.
Identifiers: ClinVar variation 902989 (VCV000902989.5), dbSNP rs546755935, ClinGen allele CA322278838.

ClinVar aggregate classification (germline): Benign. Review status: criteria provided, multiple submitters, no conflicts (2 of 4 stars). 2 submissions from 2 submitters: Benign (2). Last evaluated 2018-01-13.

Conditions:
CEDNIK syndrome. Also called: CEREBRAL DYSGENESIS, NEUROPATHY, ICHTHYOSIS, AND PALMOPLANTAR KERATODERMA SYNDROME; Cerebral dysgenesis, neuropathy, ichthyosis, and palmoplantar keratoderma. Identifiers: Orphanet 66631, MedGen C1836033, MONDO:0012290, OMIM 609528.

Allele frequency attached by ClinVar (database versions not stated): 1000 Genomes Project 30x 0.00453; 1000 Genomes Project 0.00499; gnomAD 0.00549 and 0.00592; TOPMed 0.00645.

Submissions (2):

Illumina Laboratory Services, Illumina
Classification: Benign for CEDNIK syndrome. Last evaluated: 2018-01-13. Review status: criteria provided, single submitter. Criteria: ICSL Variant Classification Criteria 13 December 2019. Collection method: clinical testing. Allele origin: germline.
Comment: This variant was observed in the ICSL laboratory as part of a predisposition screen in an ostensibly healthy population. It had not been previously curated by ICSL or reported in the Human Gene Mutation Database (HGMD: prior to June 1st, 2018), and was therefore a candidate for classification through an automated scoring system. Utilizing variant allele frequency, disease prevalence and penetrance estimates, and inheritance mode, an automated score was calculated to assess if this variant is too frequent to cause the disease. Based on the score and internal cut-off values, a variant classified as benign is not then subjected to further curation. The score for this variant resulted in a classification of benign for this disease.

Breakthrough Genomics
Classification: Benign. Review status: criteria provided, single submitter. Criteria: ACMG Guidelines, 2015. Collection method: not provided. Allele origin: germline. Inheritance: Autosomal recessive inheritance. Affected: yes.